The following is an entry in ClinVar:

NC_000003.11:g.(?_137781658)_(138665815_?)del

Genes: A4GNT (alpha-1,4-N-acetylglucosaminyltransferase; minus strand), ARMC8 (armadillo repeat containing 8; plus strand), CEP70 (centrosomal protein 70; minus strand), DBR1 (debranching RNA lariats 1; minus strand), DZIP1L (DAZ interacting zinc finger protein 1 like; minus strand) and 6 more. Cytogenetic location: 3q22.3.
Variant type: Deletion.
Identifiers: ClinVar variation 2426786 (VCV002426786.3).

ClinVar aggregate classification (germline): Pathogenic (1 of 4 stars; one submission).

Submission:

Labcorp Genetics (formerly Invitae), Labcorp
Classification: Pathogenic. Last evaluated: 2022-04-09. Review status: criteria provided, single submitter. Criteria: Invitae Variant Classification Sherloc (09022015). Collection method: clinical testing. Allele origin: germline.
Comment: A gross deletion of the genomic region encompassing the full coding sequence of the FOXL2 gene has been identified. Loss-of-function variants in FOXL2 are known to be pathogenic (PMID: 15962237, 20232352). The boundaries of this event are unknown as they extend beyond the assayed region for this gene and therefore may encompass additional genes. A similar copy number variant has been observed in individual(s) with Blepharophimosis syndrome (PMID: 15962237, 20232352). For these reasons, this variant has been classified as Pathogenic.

Literature cited by the submitters: PubMed 15962237; PubMed 20232352.